The following is an entry in ClinVar:

NM_001567.4(INPPL1):c.1088G>A (p.Arg363His)

Gene: INPPL1 (inositol polyphosphate phosphatase like 1; plus strand). Cytogenetic location: 11q13.4.
Variant type: single nucleotide variant.
Coding change: c.1088G>A on transcript NM_001567.4 (MANE Select); coding-DNA position 1088, G replaced by A.
Protein change: p.Arg363His; replaces arginine 363 with histidine.
Molecular consequence: missense variant.
Genome position (GRCh38, 1-based): chr11:72,230,269, G>A. VCF-style: chr11-72230269-G-A. GRCh37 (hg19) VCF-style: chr11-71941313-G-A.
Other names: short protein forms R363H.
Identifiers: ClinVar variation 1919617 (VCV001919617.2), dbSNP rs927834612, ClinGen allele CA381724914.

ClinVar aggregate classification (germline): Uncertain significance (1 of 4 stars; one submission).

Allele frequency attached by ClinVar (database versions not stated): TOPMed 0.00001.

Submission:

Labcorp Genetics (formerly Invitae), Labcorp
Classification: Uncertain significance. Last evaluated: 2022-08-01. Review status: criteria provided, single submitter. Criteria: Invitae Variant Classification Sherloc (09022015). Collection method: clinical testing. Allele origin: germline.
Comment: This sequence change replaces arginine, which is basic and polar, with histidine, which is basic and polar, at codon 363 of the INPPL1 protein (p.Arg363His). This variant is not present in population databases (gnomAD no frequency). This variant has not been reported in the literature in individuals affected with INPPL1-related conditions. Algorithms developed to predict the effect of missense changes on protein structure and function are either unavailable or do not agree on the potential impact of this missense change (SIFT: "Tolerated"; PolyPhen-2: "Possibly Damaging"; Align-GVGD: "Class C0"). In summary, the available evidence is currently insufficient to determine the role of this variant in disease. Therefore, it has been classified as a Variant of Uncertain Significance.